The following is an entry in ClinVar:

NM_002968.3(SALL1):c.3117C>T (p.Ser1039=)

Gene: SALL1 (spalt like transcription factor 1; minus strand). Cytogenetic location: 16q12.1.
Variant type: single nucleotide variant.
Coding change: c.3117C>T on transcript NM_002968.3 (MANE Select); coding-DNA position 3117, C replaced by T.
Protein change: p.Ser1039=; no amino-acid change (serine 1039 retained).
Molecular consequence: synonymous variant.
Genome position (GRCh38, 1-based): chr16:51,139,105, G>A on the plus strand (C>T on the coding strand, the complement: SALL1 is on the minus strand). VCF-style: chr16-51139105-G-A. GRCh37 (hg19) VCF-style: chr16-51173016-G-A.
Other names: c.2826C>T, p.Ser942= (NM_001127892.2).
Identifiers: ClinVar variation 3029508 (VCV003029508.2), dbSNP rs2506483528, ClinGen allele CA495779941.

ClinVar aggregate classification (germline): Likely benign (0 of 4 stars; one submission).

Conditions:
SALL1-related disorder. Also called: SALL1-related condition.

Submission:

PreventionGenetics, part of Exact Sciences
Classification: Likely benign for SALL1-related condition. Last evaluated: 2021-08-24. Review status: no assertion criteria provided. Collection method: clinical testing. Allele origin: germline.
Comment: This variant is classified as likely benign based on ACMG/AMP sequence variant interpretation guidelines (Richards et al. 2015 PMID: 25741868, with internal and published modifications).